The following is an entry in ClinVar:

NM_001048174.2(MUTYH):c.1205C>T (p.Pro402Leu)

Gene: MUTYH (mutY DNA glycosylase; minus strand). Cytogenetic location: 1p34.1.
Variant type: single nucleotide variant.
Coding change: c.1205C>T on transcript NM_001048174.2 (MANE Select); coding-DNA position 1205, C replaced by T.
Protein change: p.Pro402Leu; replaces proline 402 with leucine.
Molecular consequence: missense variant. On other transcripts: non-coding transcript variant (2).
Genome position (GRCh38, 1-based): chr1:45,331,454, G>A on the plus strand (C>T on the coding strand, the complement: MUTYH is on the minus strand). VCF-style: chr1-45331454-G-A. GRCh37 (hg19) VCF-style: chr1-45797126-G-A.
Other names: p.P416L:CCC>CTC; c.1205C>T, p.Pro402Leu (NM_001048171.2, NM_001048173.2, NM_001293195.2); c.1208C>T, p.Pro403Leu (NM_001048172.2); c.1289C>T, p.Pro430Leu (NM_001128425.2); c.1250C>T, p.Pro417Leu (NM_001293190.2); c.1238C>T, p.Pro413Leu (NM_001293191.2); c.929C>T, p.Pro310Leu (NM_001293192.2, NM_001293196.2); c.860C>T, p.Pro287Leu (NM_001350650.2, NM_001350651.2); and 1 more; short protein forms P430L, P416L, P403L, P287L, P413L, P310L, P427L, P402L.
Identifiers: ClinVar variation 127832 (VCV000127832.29), dbSNP rs587780079, ClinGen allele CA011629.

ClinVar aggregate classification (germline): Uncertain significance. Review status: criteria provided, multiple submitters, no conflicts (2 of 4 stars). 8 submissions from 8 submitters: Uncertain significance (8). Last evaluated 2026-01-05.

Conditions:
Familial adenomatous polyposis 2. Also called: MYH-associated polyposis; FAP type 2; Adenomas, multiple colorectal; MUTYH-related attenuated familial adenomatous polyposis; MUTYH Polyposis; COLORECTAL ADENOMATOUS POLYPOSIS, AUTOSOMAL RECESSIVE. Identifiers: Orphanet 220460, Orphanet 247798, MedGen C3272841, MONDO:0012041, OMIM 608456.
Hereditary cancer-predisposing syndrome. Also called: Tumor predisposition; Hereditary neoplastic syndrome; Neoplastic Syndromes, Hereditary; Hereditary Cancer Syndrome. Identifiers: Orphanet 140162, MedGen C0027672, MeSH D009386, MONDO:0015356.

Allele frequency attached by ClinVar (database versions not stated): TOPMed 0.00001; gnomAD exomes 0.00002; gnomAD 0.00009 and 0.00010.
gnomAD v4.1: 34 of 1,614,128 alleles (0.0021%); highest among the groups gnomAD compares: Non-Finnish European, 0.00085%; no homozygotes.

Submissions (8):

Labcorp Genetics (formerly Invitae), Labcorp
Classification: Uncertain significance for Familial adenomatous polyposis 2. Last evaluated: 2026-01-05. Review status: criteria provided, single submitter. Criteria: Invitae Variant Classification Sherloc (09022015). Collection method: clinical testing. Allele origin: germline.
Comment: This sequence change replaces proline, which is neutral and non-polar, with leucine, which is neutral and non-polar, at codon 430 of the MUTYH protein (p.Pro430Leu). This variant is present in population databases (rs587780079, gnomAD 0.02%). This missense change has been observed in individual(s) with breast cancer (PMID: 35264596). ClinVar contains an entry for this variant (Variation ID: 127832). An algorithm developed to predict the effect of missense changes on protein structure and function outputs the following: PolyPhen-2: "Benign". The leucine amino acid residue is found in multiple mammalian species, which suggests that this missense change does not adversely affect protein function. In summary, the available evidence is currently insufficient to determine the role of this variant in disease. Therefore, it has been classified as a Variant of Uncertain Significance.

GeneDx
Classification: Uncertain significance. Last evaluated: 2025-02-04. Review status: criteria provided, single submitter. Criteria: GeneDx Variant Classification Process June 2021. Collection method: clinical testing. Allele origin: germline. Affected: yes.
Comment: Observed in an individual with breast cancer (PMID: 35264596); In silico analysis indicates that this missense variant does not alter protein structure/function; This variant is associated with the following publications: (PMID: 19013464, 33471991, 23108399, 35264596)

Ambry Genetics
Classification: Uncertain significance for Hereditary cancer-predisposing syndrome. Last evaluated: 2024-10-15. Review status: criteria provided, single submitter. Criteria: Ambry Variant Classification Scheme 2023. Collection method: clinical testing. Allele origin: germline.
Comment: The p.P430L variant (also known as c.1289C>T), located in coding exon 13 of the MUTYH gene, results from a C to T substitution at nucleotide position 1289. The proline at codon 430 is replaced by leucine, an amino acid with similar properties. This amino acid position is well conserved in available higher vertebrate species. In addition, the in silico prediction for this alteration is inconclusive. Based on the available evidence, the clinical significance of this variant remains unclear.

Blueprint Genetics
Classification: Uncertain significance. Last evaluated: 2024-05-24. Review status: criteria provided, single submitter. Criteria: ACMG Guidelines, 2015. Collection method: clinical testing. Allele origin: germline.

All of Us Research Program, National Institutes of Health
Classification: Uncertain significance for Familial adenomatous polyposis 2. Last evaluated: 2023-04-27. Review status: criteria provided, single submitter. Criteria: ACMG Guidelines, 2015. Collection method: clinical testing. Allele origin: germline. Inheritance: Autosomal recessive inheritance. Observed: 1 variant allele, 1 heterozygote.
Comment: This missense variant replaces proline with leucine at codon 430 of the MUTYH protein. This variant is also known as c.1247C>T (p.Pro416Val) based on an alternative transcript (NM_001048171). Computational prediction is inconclusive regarding the impact of this variant on protein structure and function (internally defined REVEL score threshold 0.5 < inconclusive < 0.7, PMID: 27666373). To our knowledge, functional studies have not been performed for this variant. In a large international case-control study, this variant was reported in 2/60466 breast cancer cases and 4/53461 controls (OR=0.442, 95%CI 0.081 to 2.414, p-value=0.429; PMID: 33471991). This variant has been identified in 7/282722 chromosomes in the general population by the Genome Aggregation Database (gnomAD). The available evidence is insufficient to determine the role of this variant in disease conclusively. Therefore, this variant is classified as a Variant of Uncertain Significance.

This study involves interpretation of variants in research participants for the purpose of population health screening. Participant phenotype was not available at the time of variant classification. Additional details can be found in publication PMID: 35346344, PMCID: PMC8962531

Color Diagnostics, LLC DBA Color Health
Classification: Uncertain significance for Hereditary cancer-predisposing syndrome. Last evaluated: 2022-08-09. Review status: criteria provided, single submitter. Criteria: ACMG Guidelines, 2015. Collection method: clinical testing. Allele origin: germline.
Comment: This missense variant replaces proline with leucine at codon 430 of the MUTYH protein. This variant is also known as c.1247C>T (p.Pro416Val) based on an alternative transcript (NM_001048171). Computational prediction is inconclusive regarding the impact of this variant on protein structure and function (internally defined REVEL score threshold 0.5 < inconclusive < 0.7, PMID: 27666373). To our knowledge, functional studies have not been performed for this variant. In a large international case-control study, this variant was reported in 2/60466 breast cancer cases and 4/53461 controls (OR=0.442, 95%CI 0.081 to 2.414, p-value=0.429; PMID: 33471991). This variant has been identified in 7/282722 chromosomes in the general population by the Genome Aggregation Database (gnomAD). The available evidence is insufficient to determine the role of this variant in disease conclusively. Therefore, this variant is classified as a Variant of Uncertain Significance.

Sema4
Classification: Uncertain significance for Hereditary cancer-predisposing syndrome. Last evaluated: 2021-12-13. Review status: criteria provided, single submitter. Criteria: Sema4 Curation Guidelines. Collection method: curation. Allele origin: germline.
Comment: The MUTYH c.1289C>T (p.P430L) variant has been reported in 2/60466 breast cancer cases and 4/53461 healthy controls by a large case-control study (PMID: 33471991). It was observed in 6/25102 chromosomes of the Finnish subpopulation in the large and broad cohorts of the Genome Aggregation Database (PMID: 32461654). The variant has been reported in ClinVar (Variation ID: 127832). Functional studies have not been performed, and in silico predictions of the variant's effect on protein function are inconclusive. The evidence is insufficient to meet ACMG/AMP criteria for classifying the variant as benign or pathogenic. Thus, the clinical significance of this variant is currently uncertain.

Mendelics
Classification: Uncertain significance for MYH-associated polyposis. Last evaluated: 2018-07-02. Review status: criteria provided, single submitter. Criteria: Mendelics Assertion Criteria 2017. Collection method: clinical testing. Allele origin: unknown.

Literature cited by the submitters: PubMed 35264596 (cited by Labcorp Genetics (formerly Invitae), Labcorp); PubMed 33471991 (cited by All of Us Research Program, National Institutes of Health and Sema4).